The following is an entry in ClinVar:

NM_020708.5(SLC12A5):c.1845G>A (p.Trp615Ter)

Gene: SLC12A5 (solute carrier family 12 member 5; plus strand). Cytogenetic location: 20q13.12.
Variant type: single nucleotide variant.
Coding change: c.1845G>A on transcript NM_020708.5 (MANE Select); coding-DNA position 1845, G replaced by A.
Protein change: p.Trp615Ter; replaces tryptophan 615 with a stop codon.
Molecular consequence: nonsense.
Genome position (GRCh38, 1-based): chr20:46,047,511, G>A. VCF-style: chr20-46047511-G-A. GRCh37 (hg19) VCF-style: chr20-44676150-G-A.
Other names: c.1914G>A, p.Trp638Ter (NM_001134771.2); short protein forms W615*, W638*.
Identifiers: ClinVar variation 1076121 (VCV001076121.7), dbSNP rs2145496676, ClinGen allele CA409199304.
Genomic context (GRCh38, chr20:46,047,511, plus strand): 5'-TAGGACCCTCTCCTTCCTGGGCATGAGCCTCTGCCTGGCCCTCATGTTCATCTGCTCCTG[G>A]TATTATGCACTGGTAGCCATGCTCATTGCTGGACTCATCTACAAGTACATTGAGTACCGT-3'

ClinVar aggregate classification (germline): Pathogenic (1 of 4 stars; one submission).

Conditions:
Developmental and epileptic encephalopathy, 34 (DEE34). Also called: Early infantile epileptic encephalopathy 34; SLC12A5-Related Epilepsy of Infancy with Migrating Focal Seizures. Identifiers: Orphanet 293181, MedGen C4225257, MONDO:0014718, OMIM 616645.

Submission:

Labcorp Genetics (formerly Invitae), Labcorp
Classification: Pathogenic for Developmental and epileptic encephalopathy, 34. Last evaluated: 2023-05-15. Review status: criteria provided, single submitter. Criteria: Invitae Variant Classification Sherloc (09022015). Collection method: clinical testing. Allele origin: germline.
Comment: For these reasons, this variant has been classified as Pathogenic. Algorithms developed to predict the effect of sequence changes on RNA splicing suggest that this variant may disrupt the consensus splice site. ClinVar contains an entry for this variant (Variation ID: 1076121). This variant has not been reported in the literature in individuals affected with SLC12A5-related conditions. This variant is not present in population databases (gnomAD no frequency). This sequence change creates a premature translational stop signal (p.Trp615*) in the SLC12A5 gene. It is expected to result in an absent or disrupted protein product. Loss-of-function variants in SLC12A5 are known to be pathogenic (PMID: 26333769, 27436767).

Literature cited by the submitters: PubMed 26333769; PubMed 27436767.